The following is an entry in ClinVar:

NM_018062.4(FANCL):c.904-1G>A

Gene: FANCL (FA complementation group L; minus strand). Cytogenetic location: 2p16.1.
Variant type: single nucleotide variant.
Coding change: c.904-1G>A on transcript NM_018062.4 (MANE Select); the canonical splice acceptor site of the intron before coding-DNA position 904, G replaced by A.
Molecular consequence: splice acceptor variant.
Genome position (GRCh38, 1-based): chr2:58,161,639, C>T on the plus strand (G>A on the coding strand, the complement: FANCL is on the minus strand). VCF-style: chr2-58161639-C-T. GRCh37 (hg19) VCF-style: chr2-58388774-C-T.
Other names: c.949-1G>A (NM_001374615.1); c.919-1G>A (NM_001114636.2); c.964-1G>A (NM_001410792.1).
Identifiers: ClinVar variation 1508202 (VCV001508202.8), dbSNP rs2104783888, ClinGen allele CA346933460.
Genomic context (GRCh38, chr2:58,161,639, plus strand): 5'-ATCAGGAATGGTACCGTCAAGTTGATAAGCATAACAAATTCCACAATCCATAGTAAAATC[C>T]TTCAAAAGAAAAATATTTATAAAAAGCGTATGTGTCTCACTAACTTATTCGTTGTACATA-3'

ClinVar aggregate classification (germline): Likely pathogenic (1 of 4 stars; one submission).

Conditions:
Fanconi anemia (FA). Also called: Fanconi's anemia. Identifiers: Orphanet 84, MedGen C0015625, MeSH D005199, MONDO:0019391.

Submission:

Labcorp Genetics (formerly Invitae), Labcorp
Classification: Likely pathogenic for Fanconi anemia. Last evaluated: 2024-11-27. Review status: criteria provided, single submitter. Criteria: Invitae Variant Classification Sherloc (09022015). Collection method: clinical testing. Allele origin: germline.
Comment: This sequence change affects an acceptor splice site in intron 11 of the FANCL gene. It is expected to disrupt RNA splicing. Variants that disrupt the donor or acceptor splice site typically lead to a loss of protein function (PMID: 16199547), and loss-of-function variants in FANCL are known to be pathogenic (PMID: 19405097, 23613520). This variant is not present in population databases (gnomAD no frequency). This variant has not been reported in the literature in individuals affected with FANCL-related conditions. ClinVar contains an entry for this variant (Variation ID: 1508202). Algorithms developed to predict the effect of sequence changes on RNA splicing suggest that this variant may disrupt the consensus splice site. In summary, the currently available evidence indicates that the variant is pathogenic, but additional data are needed to prove that conclusively. Therefore, this variant has been classified as Likely Pathogenic.

Literature cited by the submitters: PubMed 16199547; PubMed 19405097; PubMed 23613520.